The following is an entry in ClinVar:

NM_024675.4(PALB2):c.2407_2409dup (p.Asp803_Ser804insAsp)

Gene: PALB2 (partner and localizer of BRCA2; minus strand). Cytogenetic location: 16p12.2.
Variant type: Duplication.
Coding change: c.2407_2409dup on transcript NM_024675.4 (MANE Select); coding-DNA positions 2407 to 2409, 3 bases duplicated (GAC; older notation c.2407_2409dupGAC).
Protein change: p.Asp803_Ser804insAsp.
Molecular consequence: inframe insertion. On other transcripts: intron variant (1).
Genome position (GRCh38, 1-based): chr16:23,629,745-23,629,747, GTC duplicated on the plus strand (GAC on the coding strand, the reverse complement: PALB2 is on the minus strand). VCF-style (leftmost placement, unchanged base first): chr16-23629744-A-AGTC. GRCh37 (hg19) VCF-style: chr16-23641065-A-AGTC.
Other names: c.2347_2349dup, p.Asp783_Ser784insAsp (NM_001407296.1); c.2407_2409dup, p.Asp803_Ser804insAsp (NM_001407297.1, NM_001407298.1, NM_001407299.1 and 3 more transcripts); c.1522_1524dup, p.Asp508_Ser509insAsp (NM_001407304.1, NM_001407305.1, NM_001407306.1 and 5 more transcripts); c.619_621dup, p.Asp207_Ser208insAsp (NM_001407312.1, NM_001407313.1); c.49-472_49-470dup (NM_001407314.1).
Identifiers: ClinVar variation 3000870 (VCV003000870.3), dbSNP rs2506407144, ClinGen allele CA2740093280.
Genomic context (GRCh38, chr16:23,629,744, plus strand): 5'-AGAGCTGATTTTCTTTAAAAGTGAATGACTCAATGGGTGGAGGTGTTCCTGGCGGGACAG[A>AGTC]GTCACAGTCACAGGTAGGTTGTCCTTGCCTGCCTGACACTTGCAGGGTGGTATGTGGTTT-3'

ClinVar aggregate classification (germline): Uncertain significance (1 of 4 stars; one submission).

Conditions:
Familial cancer of breast. Also called: hereditary breast carcinoma; Hereditary breast cancer; BREAST CANCER, FAMILIAL. Identifiers: Orphanet 227535, MedGen C0346153, MONDO:0016419, OMIM 114480. Disease mechanism: loss of function.

Submission:

Labcorp Genetics (formerly Invitae), Labcorp
Classification: Uncertain significance for Familial cancer of breast. Last evaluated: 2023-07-07. Review status: criteria provided, single submitter. Criteria: Invitae Variant Classification Sherloc (09022015). Collection method: clinical testing. Allele origin: germline.
Comment: This variant, c.2407_2409dup, results in the insertion of 1 amino acid(s) of the PALB2 protein (p.Asp803dup), but otherwise preserves the integrity of the reading frame. This variant is not present in population databases (gnomAD no frequency). This variant has not been reported in the literature in individuals affected with PALB2-related conditions. In summary, the available evidence is currently insufficient to determine the role of this variant in disease. Therefore, it has been classified as a Variant of Uncertain Significance.